The following is an entry in ClinVar:

ClinVar aggregate classification (germline): Uncertain significance. Review status: criteria provided, multiple submitters, no conflicts (2 of 4 stars). 3 submissions from 3 submitters: Uncertain significance (3). Last evaluated 2024-02-27.

Conditions:
Inborn genetic diseases. Identifiers: MedGen C0950123, MeSH D030342.

Allele frequency attached by ClinVar (database versions not stated): gnomAD 0.00001; ExAC 0.00002; TOPMed 0.00003.
gnomAD v4.1: 10 of 1,614,074 alleles (0.00062%); highest among the groups gnomAD compares: Admixed American, 0.017%; no homozygotes.

Submissions (3):

Ambry Genetics
Classification: Uncertain significance for Inborn genetic diseases. Last evaluated: 2024-02-27. Review status: criteria provided, single submitter. Criteria: Ambry Variant Classification Scheme 2023. Collection method: clinical testing. Allele origin: germline.

Labcorp Genetics (formerly Invitae), Labcorp
Classification: Uncertain significance. Last evaluated: 2022-06-13. Review status: criteria provided, single submitter. Criteria: Invitae Variant Classification Sherloc (09022015). Collection method: clinical testing. Allele origin: germline.
Comment: This sequence change replaces serine, which is neutral and polar, with isoleucine, which is neutral and non-polar, at codon 1362 of the PCDH15 protein (p.Ser1362Ile). This variant is present in population databases (rs760949659, gnomAD 0.03%). This variant has not been reported in the literature in individuals affected with PCDH15-related conditions. Algorithms developed to predict the effect of missense changes on protein structure and function are either unavailable or do not agree on the potential impact of this missense change (SIFT: "Tolerated"; PolyPhen-2: "Possibly Damaging"; Align-GVGD: "Class C0"). In summary, the available evidence is currently insufficient to determine the role of this variant in disease. Therefore, it has been classified as a Variant of Uncertain Significance.

GeneDx
Classification: Uncertain significance. Last evaluated: 2022-06-07. Review status: criteria provided, single submitter. Criteria: GeneDx Variant Classification Process June 2021. Collection method: clinical testing. Allele origin: germline. Affected: yes.
Comment: In silico analysis supports that this missense variant has a deleterious effect on protein structure/function; Has not been previously published as pathogenic or benign to our knowledge

NM_001384140.1(PCDH15):c.4085G>T (p.Ser1362Ile)

Gene: PCDH15 (protocadherin related 15; minus strand). Cytogenetic location: 10q21.1.
Variant type: single nucleotide variant.
Coding change: c.4085G>T on transcript NM_001384140.1 (MANE Select); coding-DNA position 4085, G replaced by T.
Protein change: p.Ser1362Ile; replaces serine 1362 with isoleucine.
Molecular consequence: missense variant.
Genome position (GRCh38, 1-based): chr10:53,831,432, C>A on the plus strand (G>T on the coding strand, the complement: PCDH15 is on the minus strand). VCF-style: chr10-53831432-C-A. GRCh37 (hg19) VCF-style: chr10-55591192-C-A.
Other names: c.4100G>T, p.Ser1367Ile (NM_001142763.2, NM_001142771.2); c.4085G>T, p.Ser1362Ile (NM_001142764.2, NM_001142766.2, NM_001142770.3 and 4 more transcripts); c.3872G>T, p.Ser1291Ile (NM_001142765.2); c.3974G>T, p.Ser1325Ile (NM_001142767.2); c.4019G>T, p.Ser1340Ile (NM_001142768.2, NM_001142773.2, NM_001354404.2); c.4121G>T, p.Ser1374Ile (NM_001142769.4); c.4106G>T, p.Ser1369Ile (NM_001354411.2); short protein forms S1291I, S1325I, S1340I, S1362I, S1367I, S1369I, S1374I.
Identifiers: ClinVar variation 1803606 (VCV001803606.4), dbSNP rs760949659, ClinGen allele CA5505472.